The following is an entry in ClinVar:

NM_020433.5(JPH2):c.649G>T (p.Gly217Cys)

Gene: JPH2 (junctophilin 2; minus strand). Cytogenetic location: 20q13.12.
Variant type: single nucleotide variant.
Coding change: c.649G>T on transcript NM_020433.5 (MANE Select); coding-DNA position 649, G replaced by T.
Protein change: p.Gly217Cys; replaces glycine 217 with cysteine.
Molecular consequence: missense variant.
Genome position (GRCh38, 1-based): chr20:44,160,138, C>A on the plus strand (G>T on the coding strand, the complement: JPH2 is on the minus strand). VCF-style: chr20-44160138-C-A. GRCh37 (hg19) VCF-style: chr20-42788778-C-A.
Other names: short protein forms G217C.
Identifiers: ClinVar variation 1313786 (VCV001313786.2), dbSNP rs1346458604, ClinGen allele CA409093957.
Genomic context (GRCh38, chr20:44,160,138, plus strand): 5'-TGCGCGACTCTGCGCGCCGCAGCTTGCCCAGCAGCGCGCCCCGCTGGAAGAGGCCGCCGC[C>A]CTTGGGCGCCCGCGCGGCCGCCTCGGCATTGGCCAGGAGGCTGAGCGCGAAGCCGCCACG-3'
Protein context (NP_065166.2, residues 207-227): NAEAAARAPK[Gly217Cys]GGLFQRGALL

ClinVar aggregate classification (germline): Uncertain significance (1 of 4 stars; one submission).

Submission:

GeneDx
Classification: Uncertain significance. Last evaluated: 2021-01-14. Review status: criteria provided, single submitter. Criteria: GeneDx Variant Classification Process June 2021. Collection method: clinical testing. Allele origin: germline. Affected: yes.
Comment: Has not been previously published as pathogenic or benign to our knowledge; Not observed in large population cohorts (Lek et al., 2016); In silico analysis supports that this missense variant does not alter protein structure/function